The following is an entry in ClinVar:

NM_014797.3(ZBTB24):c.889A>G (p.Lys297Glu)

Gene: ZBTB24 (zinc finger and BTB domain containing 24; minus strand). Cytogenetic location: 6q21.
Variant type: single nucleotide variant.
Coding change: c.889A>G on transcript NM_014797.3 (MANE Select); coding-DNA position 889, A replaced by G.
Protein change: p.Lys297Glu; replaces lysine 297 with glutamic acid.
Molecular consequence: missense variant.
Genome position (GRCh38, 1-based): chr6:109,481,138, T>C on the plus strand (A>G on the coding strand, the complement: ZBTB24 is on the minus strand). VCF-style: chr6-109481138-T-C. GRCh37 (hg19) VCF-style: chr6-109802341-T-C.
Other names: c.889A>G, p.Lys297Glu (NM_001164313.2); short protein forms K297E.
Identifiers: ClinVar variation 1469093 (VCV001469093.6), dbSNP rs2115366344, ClinGen allele CA365207605.
Genomic context (GRCh38, chr6:109,481,138, plus strand): 5'-TGTGGCTCCTCTGGTGGATTGCTAAAAAGTGATTGTACTTAAAGACCTTGCCACAGTCTT[T>C]ACAGCGGGCCTCAGGGCCTCCAGGGCGCTTTCTCCTTCCACAGATCCTCTTGGCTGAACC-3'
Protein context (NP_055612.2, residues 287-307): KRPGGPEARC[Lys297Glu]DCGKVFKYNH

ClinVar aggregate classification (germline): Uncertain significance (1 of 4 stars; one submission).

Conditions:
Immunodeficiency-centromeric instability-facial anomalies syndrome 2 (ICF2). Identifiers: Orphanet 2268, MedGen C3279748, MONDO:0013553, OMIM 614069.

Allele frequency attached by ClinVar (database versions not stated): gnomAD exomes below 0.00001.
gnomAD v4.1: 3 of 1,614,260 alleles (0.00019%); highest among the groups gnomAD compares: Non-Finnish European, 0.00025%; no homozygotes.

Submission:

Labcorp Genetics (formerly Invitae), Labcorp
Classification: Uncertain significance for Immunodeficiency-centromeric instability-facial anomalies syndrome 2. Last evaluated: 2022-11-08. Review status: criteria provided, single submitter. Criteria: Invitae Variant Classification Sherloc (09022015). Collection method: clinical testing. Allele origin: germline.
Comment: This variant is not present in population databases (gnomAD no frequency). This variant has not been reported in the literature in individuals affected with ZBTB24-related conditions. ClinVar contains an entry for this variant (Variation ID: 1469093). Algorithms developed to predict the effect of missense changes on protein structure and function are either unavailable or do not agree on the potential impact of this missense change (SIFT: "Not Available"; PolyPhen-2: "Benign"; Align-GVGD: "Not Available"). In summary, the available evidence is currently insufficient to determine the role of this variant in disease. Therefore, it has been classified as a Variant of Uncertain Significance. This sequence change replaces lysine with glutamic acid at codon 297 of the ZBTB24 protein (p.Lys297Glu). The lysine residue is highly conserved and there is a small physicochemical difference between lysine and glutamic acid.